The following is an entry in ClinVar:

ClinVar aggregate classification (germline): Pathogenic (1 of 4 stars; one submission).

Conditions:
Familial cancer of breast. Also called: Hereditary breast cancer; BREAST CANCER, FAMILIAL; hereditary breast carcinoma. Identifiers: Orphanet 227535, MedGen C0346153, MONDO:0016419, OMIM 114480. Disease mechanism: loss of function.

Submission:

Myriad Genetics, Inc.
Classification: Pathogenic for Familial cancer of breast. Last evaluated: 2023-06-27. Review status: criteria provided, single submitter. Criteria: Myriad Autosomal Dominant, Autosomal Recessive and X-Linked Classification Criteria (2023). Collection method: clinical testing. Allele origin: unknown.
Comment: This variant is considered pathogenic. This variant creates a frameshift predicted to result in premature protein truncation.

NM_007194.4(CHEK2):c.985dup (p.Tyr329fs)

Gene: CHEK2 (checkpoint kinase 2; minus strand). Cytogenetic location: 22q12.1.
Variant type: Duplication.
Coding change: c.985dup on transcript NM_007194.4 (MANE Select); coding-DNA position 985, one base duplicated (T; older notation c.985dupT).
Protein change: p.Tyr329fs; shifts the reading frame from tyrosine 329.
Molecular consequence: frameshift variant.
Genome position (GRCh38, 1-based): chr22:28,699,861, A duplicated on the plus strand (T on the coding strand, the reverse complement: CHEK2 is on the minus strand); the first of 5 consecutive A bases (chr22:28,699,861-28,699,865); duplicating any one gives the same sequence. VCF-style (leftmost placement, unchanged base first): chr22-28699860-T-TA. GRCh37 (hg19) VCF-style: chr22-29095848-T-TA.
Other names: c.1110dup, p.Tyr372Leufs (NM_001005735.3); c.318dup, p.Tyr108Leufs (NM_001257387.3); c.780dup, p.Tyr262Leufs (NM_001349956.3); c.981dup, p.Tyr329Leufs (NM_145862.3); short protein forms Y108fs, Y262fs, Y329fs, Y372fs.
Identifiers: ClinVar variation 2583395 (VCV002583395.2), dbSNP rs1569121048, ClinGen allele CA2582342816.
Genomic context (GRCh38, chr22:28,699,860, plus strand): 5'-GAAAGGCAGCTGTCAAAAGAATTGAGGGCTTCTTTTACCTGCACAGCCAAGAGCATCTGG[T>TA]AAAAATAGAGCTTGCAGGTAGCTTCTTTCAGGCGTTTATTCCCCACCACTTTGTCAAACA-3'